The following is an entry in ClinVar:

ClinVar aggregate classification (germline): Uncertain significance (1 of 4 stars; one submission).

Submission:

GeneDx
Classification: Uncertain significance. Last evaluated: 2016-08-11. Review status: criteria provided, single submitter. Criteria: GeneDx Variant Classification (06012015). Collection method: clinical testing. Allele origin: germline. Affected: yes.
Comment: The c.130delA variant in the DEAF1 gene has not been reported previously as a pathogenic variant nor as a benign variant, to our knowledge. The c.130delA variant causes a frameshift starting with codon Arginine 44, changes this amino acid to a Glycine residue, and creates a premature Stop codon at position 25 of the new reading frame, denoted p.Arg44GlyfsX25. This variant is predicted to cause loss of normal protein function either through protein truncation or nonsense-mediated mRNA decay. The c.130delA variant was not observed in approximately 6400 individuals of European and African American ancestry in the NHLBI Exome Sequencing Project, indicating it is not a common benign variant in these populations. We interpret c.130delA as a variant of uncertain significance.

NM_021008.4(DEAF1):c.130del (p.Arg44fs)

Gene: DEAF1 (DEAF1 transcription factor; minus strand). Cytogenetic location: 11p15.5.
Variant type: Deletion.
Coding change: c.130del on transcript NM_021008.4 (MANE Select); coding-DNA position 130, one base deleted (A; older notation c.130delA).
Protein change: p.Arg44fs; shifts the reading frame from arginine 44.
Molecular consequence: frameshift variant. On other transcripts: intron variant (1).
Genome position (GRCh38, 1-based): chr11:694,918, T deleted on the plus strand (A on the coding strand, the reverse complement: DEAF1 is on the minus strand). VCF-style (leftmost placement, unchanged base first): chr11-694917-CT-C. GRCh37 (hg19) VCF-style: chr11-694917-CT-C.
Other names: c.130delA, p.Arg44Glyfs (NM_001293634.2); c.-437-3320del (NM_001367390.1); short protein forms R44fs.
Identifiers: ClinVar variation 421908 (VCV000421908.2), dbSNP rs1064795439, ClinGen allele CA16619399.